The following is an entry in ClinVar:

ClinVar aggregate classification (germline): Uncertain significance (1 of 4 stars; one submission).

Allele frequency attached by ClinVar (database versions not stated): gnomAD 0.00001; TOPMed 0.00001.
gnomAD v4.1: 1 of 1,613,816 alleles (0.000062%); highest among the groups gnomAD compares: Non-Finnish European, 0.000085%; no homozygotes.

Submission:

Labcorp Genetics (formerly Invitae), Labcorp
Classification: Uncertain significance. Last evaluated: 2023-05-23. Review status: criteria provided, single submitter. Criteria: Invitae Variant Classification Sherloc (09022015). Collection method: clinical testing. Allele origin: germline.
Comment: In summary, the available evidence is currently insufficient to determine the role of this variant in disease. Therefore, it has been classified as a Variant of Uncertain Significance. This sequence change replaces leucine, which is neutral and non-polar, with proline, which is neutral and non-polar, at codon 4377 of the LRP2 protein (p.Leu4377Pro). This variant is not present in population databases (gnomAD no frequency). This variant has not been reported in the literature in individuals affected with LRP2-related conditions. Advanced modeling of protein sequence and biophysical properties (such as structural, functional, and spatial information, amino acid conservation, physicochemical variation, residue mobility, and thermodynamic stability) performed at Invitae indicates that this missense variant is not expected to disrupt LRP2 protein function.

NM_004525.3(LRP2):c.13130T>C (p.Leu4377Pro)

Gene: LRP2 (LDL receptor related protein 2; minus strand). Cytogenetic location: 2q31.1.
Variant type: single nucleotide variant.
Coding change: c.13130T>C on transcript NM_004525.3 (MANE Select); coding-DNA position 13130, T replaced by C.
Protein change: p.Leu4377Pro; replaces leucine 4377 with proline.
Molecular consequence: missense variant.
Genome position (GRCh38, 1-based): chr2:169,140,524, A>G on the plus strand (T>C on the coding strand, the complement: LRP2 is on the minus strand). VCF-style: chr2-169140524-A-G. GRCh37 (hg19) VCF-style: chr2-169997034-A-G.
Other names: short protein forms L4377P.
Identifiers: ClinVar variation 2818213 (VCV002818213.3), dbSNP rs1190953017, ClinGen allele CA349158230.